The following is an entry in ClinVar:

ClinVar aggregate classification (germline): Uncertain significance (1 of 4 stars; one submission).

Allele frequency attached by ClinVar (database versions not stated): 1000 Genomes Project 0.00020.
gnomAD v4.1: 20 of 1,614,006 alleles (0.0012%); highest among the groups gnomAD compares: Admixed American, 0.0067%; no homozygotes.

Submission:

Labcorp Genetics (formerly Invitae), Labcorp
Classification: Uncertain significance. Last evaluated: 2025-08-18. Review status: criteria provided, single submitter. Criteria: Invitae Variant Classification Sherloc (09022015). Collection method: clinical testing. Allele origin: germline.
Comment: This sequence change replaces arginine, which is basic and polar, with tryptophan, which is neutral and slightly polar, at codon 1501 of the MYH3 protein (p.Arg1501Trp). This variant is present in population databases (rs551438676, gnomAD 0.01%). This variant has not been reported in the literature in individuals affected with MYH3-related conditions. ClinVar contains an entry for this variant (Variation ID: 2719543). Invitae Evidence Modeling of protein sequence and biophysical properties (such as structural, functional, and spatial information, amino acid conservation, physicochemical variation, residue mobility, and thermodynamic stability) indicates that this missense variant is not expected to disrupt MYH3 protein function with a negative predictive value of 95%. In summary, the available evidence is currently insufficient to determine the role of this variant in disease. Therefore, it has been classified as a Variant of Uncertain Significance.

NM_002470.4(MYH3):c.4501C>T (p.Arg1501Trp)

Gene: MYH3 (myosin heavy chain 3; minus strand). Cytogenetic location: 17p13.1.
Variant type: single nucleotide variant.
Coding change: c.4501C>T on transcript NM_002470.4 (MANE Select); coding-DNA position 4501, C replaced by T.
Protein change: p.Arg1501Trp; replaces arginine 1501 with tryptophan.
Molecular consequence: missense variant.
Genome position (GRCh38, 1-based): chr17:10,634,038, G>A on the plus strand (C>T on the coding strand, the complement: MYH3 is on the minus strand). VCF-style: chr17-10634038-G-A. GRCh37 (hg19) VCF-style: chr17-10537355-G-A.
Other names: short protein forms R1501W.
Identifiers: ClinVar variation 2719543 (VCV002719543.3), dbSNP rs551438676, ClinGen allele CA8392216.